The following is an entry in ClinVar:

ClinVar aggregate classification (germline): Uncertain significance. Review status: criteria provided, multiple submitters, no conflicts (2 of 4 stars). 5 submissions from 5 submitters: Uncertain significance (4). 1 of the submissions does not count toward it. Last evaluated 2026-01-09.

Conditions:
Familial thoracic aortic aneurysm and aortic dissection (TAAD). Also called: Thoracic aortic aneurysms and dissections. Identifiers: Orphanet 91387, MedGen C4707243, MONDO:0019625.
Marfan syndrome (MFS). Also called: Marfan syndrome, classic; Marfan syndrome type 1; Marfan's syndrome; FBN1-Related Marfan Syndrome; MARFAN SYNDROME, TYPE I. Identifiers: Orphanet 284963, Orphanet 558, MedGen C0024796, MONDO:0007947, OMIM 154700.
FBN1-related disorder. Also called: FBN1-related disorders.
Weill-Marchesani syndrome 2, dominant. Also called: FBN1-Related Weill-Marchesani Syndrome; Weill-Marchesani Syndrome, Autosomal Dominant. Identifiers: Orphanet 2084, MedGen C1869115, MONDO:0012013, OMIM 608328.
Progeroid and marfanoid aspect-lipodystrophy syndrome. Also called: MARFANOID-PROGEROID SYNDROME; MARFAN-PROGEROID-LIPODYSTROPHY SYNDROME; Marfan lipodystrophy syndrome; MARFANOID-PROGEROID-LIPODYSTROPHY SYNDROME. Identifiers: Orphanet 300382, MedGen C4310796, MONDO:0014831, OMIM 616914.
Acromicric dysplasia (ACMICD). Also called: Acromicric skeletal dysplasia. Identifiers: Orphanet 969, MedGen C0265287, MONDO:0007055, OMIM 102370.
Ectopia lentis 1, isolated, autosomal dominant (ECTOL1). Identifiers: Orphanet 1885, MedGen C3541518, MONDO:0007514, OMIM 129600.
Geleophysic dysplasia 2 (GPHYSD2). Identifiers: Orphanet 2623, MedGen C3280054, MONDO:0013612, OMIM 614185.
MASS syndrome (OCTD). Also called: OVERLAP CONNECTIVE TISSUE DISEASE; MASS PHENOTYPE. Identifiers: MedGen C1858556, MONDO:0011431, OMIM 604308.
Stiff skin syndrome (SSKS). Identifiers: Orphanet 2833, MedGen C1861456, MONDO:0008492, OMIM 184900.

Allele frequency attached by ClinVar (database versions not stated): gnomAD exomes below 0.00001; gnomAD 0.00001.
gnomAD v4.1: 6 of 1,613,940 alleles (0.00037%); highest among the groups gnomAD compares: Non-Finnish European, 0.00051%; no homozygotes.

Submissions (5):

Ambry Genetics
Classification: Uncertain significance for Familial thoracic aortic aneurysm and aortic dissection. Last evaluated: 2026-01-09. Review status: criteria provided, single submitter. Criteria: Ambry Variant Classification Scheme 2023. Collection method: clinical testing. Allele origin: germline.
Comment: The c.2208T>G (p.N736K) alteration is located in exon 19 (coding exon 18) of the FBN1 gene. This alteration results from a T to G substitution at nucleotide position 2208, causing the asparagine (N) at amino acid position 736 to be replaced by a lysine (K). Based on data from gnomAD, the G allele has an overall frequency of 0.001% (2/282784) total alleles studied. The highest observed frequency was 0.002% (2/129118) of European (non-Finnish) alleles. Based on insufficient or conflicting evidence, the clinical significance of this alteration remains unclear.

All of Us Research Program, National Institutes of Health
Classification: Uncertain significance for Marfan syndrome. Last evaluated: 2024-04-10. Review status: criteria provided, single submitter. Criteria: ACMG Guidelines, 2015. Collection method: clinical testing. Allele origin: germline. Inheritance: Autosomal dominant inheritance. Observed: 6 variant alleles, 6 heterozygotes.
Comment: This missense variant replaces asparagine with lysine at codon 736 of the FBN1 protein. Computational prediction suggests that this variant may have deleterious impact on protein structure and function (internally defined REVEL score threshold >= 0.7, PMID: 27666373). To our knowledge, functional studies have not been reported for this variant. This variant has not been reported in individuals affected with cardiovascular disorders in the literature. This variant has been identified in 2/282784 chromosomes in the general population by the Genome Aggregation Database (gnomAD). The available evidence is insufficient to determine the role of this variant in disease conclusively. Therefore, this variant is classified as a Variant of Uncertain Significance.

This study involves interpretation of variants in research participants for the purpose of population health screening. Participant phenotype was not available at the time of variant classification. Additional details can be found in publication PMID: 35346344, PMCID: PMC8962531

Color Diagnostics, LLC DBA Color Health
Classification: Uncertain significance for Familial thoracic aortic aneurysm and aortic dissection. Last evaluated: 2023-11-01. Review status: criteria provided, single submitter. Criteria: ACMG Guidelines, 2015. Collection method: clinical testing. Allele origin: germline.
Comment: This missense variant replaces asparagine with lysine at codon 736 of the FBN1 protein. Computational prediction suggests that this variant may have deleterious impact on protein structure and function (internally defined REVEL score threshold >= 0.7, PMID: 27666373). To our knowledge, functional studies have not been reported for this variant. This variant has not been reported in individuals affected with FBN1-related disorders in the literature. This variant has been identified in 2/282784 chromosomes in the general population by the Genome Aggregation Database (gnomAD). The available evidence is insufficient to determine the role of this variant in disease conclusively. Therefore, this variant is classified as a Variant of Uncertain Significance.

Fulgent Genetics
Classification: Uncertain significance for Acromicric dysplasia; Ectopia lentis 1, isolated, autosomal dominant; Marfan syndrome; Stiff skin syndrome; MASS syndrome; Weill-Marchesani syndrome 2, dominant; Geleophysic dysplasia 2; Progeroid and marfanoid aspect-lipodystrophy syndrome. Last evaluated: 2021-10-18. Review status: criteria provided, single submitter. Criteria: ACMG Guidelines, 2015. Collection method: clinical testing. Allele origin: unknown.

PreventionGenetics, part of Exact Sciences
Classification: Uncertain significance for FBN1-related condition. Last evaluated: 2024-06-11. Review status: no assertion criteria provided. Collection method: clinical testing. Allele origin: germline. Not counted in ClinVar's aggregate classification.
Comment: The FBN1 c.2208T>G variant is predicted to result in the amino acid substitution p.Asn736Lys. To our knowledge, this variant has not been reported in the literature. This variant is reported in 0.0015% of alleles in individuals of European (Non-Finnish) descent in gnomAD. At this time, the clinical significance of this variant is uncertain due to the absence of conclusive functional and genetic evidence.

NM_000138.5(FBN1):c.2208T>G (p.Asn736Lys)

Gene: FBN1 (fibrillin 1; minus strand). Cytogenetic location: 15q21.1.
Variant type: single nucleotide variant.
Coding change: c.2208T>G on transcript NM_000138.5 (MANE Select); coding-DNA position 2208, T replaced by G.
Protein change: p.Asn736Lys; replaces asparagine 736 with lysine.
Molecular consequence: missense variant.
Genome position (GRCh38, 1-based): chr15:48,497,351, A>C on the plus strand (T>G on the coding strand, the complement: FBN1 is on the minus strand). VCF-style: chr15-48497351-A-C. GRCh37 (hg19) VCF-style: chr15-48789548-A-C.
Other names: short protein forms N736K.
Identifiers: ClinVar variation 925725 (VCV000925725.12), dbSNP rs1450795956, ClinGen allele CA392335767.